The following is an entry in ClinVar:

ClinVar aggregate classification (germline): Uncertain significance. Review status: criteria provided, multiple submitters, no conflicts (2 of 4 stars). 3 submissions from 3 submitters: Uncertain significance (2). 1 of the submissions does not count toward it. Last evaluated 2026-05-02.

Conditions:
Charcot-Marie-Tooth disease type 4D. Also called: Charcot-Marie-Tooth Neuropathy Type 4D; CHARCOT-MARIE-TOOTH DISEASE, DEMYELINATING, AUTOSOMAL RECESSIVE, TYPE 4D; CHARCOT-MARIE-TOOTH DISEASE, DEMYELINATING, TYPE 4D; NEUROPATHY, HEREDITARY MOTOR AND SENSORY, LOM TYPE. Identifiers: Orphanet 99950, MedGen C1832334, MONDO:0011085, OMIM 601455.
NDRG1-related disorder. Also called: NDRG1-related condition.
Charcot-Marie-Tooth disease type 4. Also called: Charcot-Marie-Tooth disease, type IV; Charcot-Marie-Tooth, Type 4. Identifiers: Orphanet 64749, MedGen C4082197, MONDO:0018995.

Allele frequency attached by ClinVar (database versions not stated): gnomAD 0.00001 and 0.00002; TOPMed 0.00001; gnomAD exomes 0.00018; ExAC 0.00058.
gnomAD v4.1: 101 of 1,589,112 alleles (0.0064%); highest among the groups gnomAD compares: South Asian, 0.1%; 1 homozygote.

Submissions (3):

PreventionGenetics, part of Exact Sciences
Classification: Uncertain significance for NDRG1-related condition. Last evaluated: 2026-05-02. Review status: criteria provided, single submitter. Criteria: ACMG Guidelines, 2015. Collection method: clinical testing. Allele origin: germline.
Comment: The NDRG1 c.1091C>T variant is predicted to result in the amino acid substitution p.Ser364Leu. To our knowledge, this variant has not been reported in the literature. This variant is reported in 0.14% of alleles in individuals of South Asian descent in gnomAD. Although we suspect that this variant may be benign, at this time, the clinical significance of this variant is uncertain due to the absence of conclusive functional and genetic evidence.

Labcorp Genetics (formerly Invitae), Labcorp
Classification: Uncertain significance for Charcot-Marie-Tooth disease type 4. Last evaluated: 2022-03-18. Review status: criteria provided, single submitter. Criteria: Invitae Variant Classification Sherloc (09022015). Collection method: clinical testing. Allele origin: germline.
Comment: This sequence change replaces serine, which is neutral and polar, with leucine, which is neutral and non-polar, at codon 364 of the NDRG1 protein (p.Ser364Leu). This variant is present in population databases (rs767058269, gnomAD 0.1%). This variant has not been reported in the literature in individuals affected with NDRG1-related conditions. ClinVar contains an entry for this variant (Variation ID: 656777). Algorithms developed to predict the effect of missense changes on protein structure and function are either unavailable or do not agree on the potential impact of this missense change (SIFT: "Deleterious"; PolyPhen-2: "Benign"; Align-GVGD: "Class C0"). In summary, the available evidence is currently insufficient to determine the role of this variant in disease. Therefore, it has been classified as a Variant of Uncertain Significance.

Natera, Inc.
Classification: Uncertain significance for Charcot-Marie-Tooth disease type 4D. Last evaluated: 2020-02-16. Review status: no assertion criteria provided. Collection method: clinical testing. Allele origin: germline. Not counted in ClinVar's aggregate classification.

NM_006096.4(NDRG1):c.1091C>T (p.Ser364Leu)

Gene: NDRG1 (N-myc downstream regulated 1; minus strand). Cytogenetic location: 8q24.22.
Variant type: single nucleotide variant.
Coding change: c.1091C>T on transcript NM_006096.4 (MANE Select); coding-DNA position 1091, C replaced by T.
Protein change: p.Ser364Leu; replaces serine 364 with leucine.
Molecular consequence: missense variant.
Genome position (GRCh38, 1-based): chr8:133,238,972, G>A on the plus strand (C>T on the coding strand, the complement: NDRG1 is on the minus strand). VCF-style: chr8-133238972-G-A. GRCh37 (hg19) VCF-style: chr8-134251215-G-A.
Other names: c.1091C>T, p.Ser364Leu (NM_001135242.2, NM_001374845.1, NM_001374846.1); c.893C>T, p.Ser298Leu (NM_001258432.2, NM_001374847.1); c.848C>T, p.Ser283Leu (NM_001258433.2); c.1142C>T, p.Ser381Leu (NM_001374844.1); short protein forms S298L, S283L, S364L, S381L.
Identifiers: ClinVar variation 656777 (VCV000656777.5), dbSNP rs767058269, ClinGen allele CA4886423.
Genomic context (GRCh38, chr8:133,238,972, plus strand): 5'-CTGTTCCCAGCAGCACCCGAGTTGGGGGTGATGTCCAGGTGGGCCCCCTCGCTGGTGTGC[G>A]AGCGGCTGCGGGTGCCCTCGCTGGTGTGGGAGCGGCTTCGGGTGCCCTCGCTGGTGTGGG-3'
Protein context (NP_006087.2, residues 354-374): SHTSEGTRSR[Ser364Leu]HTSEGAHLDI